The following is an entry in ClinVar:

ClinVar aggregate classification (germline): Pathogenic (1 of 4 stars; one submission).

Conditions:
Specific granule deficiency. Identifiers: Orphanet 169142, MedGen C0398593, MONDO:0009506.

Submission:

Labcorp Genetics (formerly Invitae), Labcorp
Classification: Pathogenic for Specific granule deficiency. Last evaluated: 2022-07-11. Review status: criteria provided, single submitter. Criteria: Invitae Variant Classification Sherloc (09022015). Collection method: clinical testing. Allele origin: germline.
Comment: For these reasons, this variant has been classified as Pathogenic. ClinVar contains an entry for this variant (Variation ID: 1457601). This variant has not been reported in the literature in individuals affected with CEBPE-related conditions. This variant is not present in population databases (gnomAD no frequency). This sequence change creates a premature translational stop signal (p.Tyr7Aspfs*6) in the CEBPE gene. It is expected to result in an absent or disrupted protein product. Loss-of-function variants in CEBPE are known to be pathogenic (PMID: 11313242, 11435463).

Literature cited by the submitters: PubMed 11313242; PubMed 11435463.

NM_001805.4(CEBPE):c.12_18dup (p.Tyr7fs)

Gene: CEBPE (CCAAT enhancer binding protein epsilon; minus strand). Cytogenetic location: 14q11.2.
Variant type: Duplication.
Coding change: c.12_18dup on transcript NM_001805.4 (MANE Select); coding-DNA positions 12 to 18, 7 bases duplicated (GACCTAC; older notation c.12_18dupGACCTAC).
Protein change: p.Tyr7fs; shifts the reading frame from tyrosine 7.
Molecular consequence: frameshift variant.
Genome position (GRCh38, 1-based): chr14:23,119,074-23,119,080, GTAGGTC duplicated on the plus strand (GACCTAC on the coding strand, the reverse complement: CEBPE is on the minus strand). VCF-style (leftmost placement, unchanged base first): chr14-23119073-A-AGTAGGTC. GRCh37 (hg19) VCF-style: chr14-23588282-A-AGTAGGTC.
Other names: short protein forms Y7fs.
Identifiers: ClinVar variation 1457601 (VCV001457601.6), dbSNP rs2140292375, ClinGen allele CA2573149760.